The following is an entry in ClinVar:

NM_000631.5(NCF4):c.359C>T (p.Pro120Leu)

Genes: NCF4 (neutrophil cytosolic factor 4; plus strand), NCF4-AS1 (NCF4 antisense RNA 1; minus strand). Cytogenetic location: 22q12.3.
Variant type: single nucleotide variant.
Coding change: c.359C>T on transcript NM_000631.5 (MANE Select); coding-DNA position 359, C replaced by T.
Protein change: p.Pro120Leu; replaces proline 120 with leucine.
Molecular consequence: missense variant. On other transcripts: non-coding transcript variant (1).
Genome position (GRCh38, 1-based): chr22:36,870,431, C>T. VCF-style: chr22-36870431-C-T. GRCh37 (hg19) VCF-style: chr22-37266473-C-T.
Other names: c.359C>T, p.Pro120Leu (NM_013416.4); short protein forms P120L.
Identifiers: ClinVar variation 539176 (VCV000539176.7), dbSNP rs760441596, ClinGen allele CA10212972.
Genomic context (GRCh38, chr22:36,870,431, plus strand): 5'-TTTCTGCTGACTACCCCACCGGTTCTGCTGTCTCACCCACACAGAGCCTGCTCAGCCTGC[C>T]GGTCTGGGTGCTGATGGATGAGGACGTCCGGATCTTCTTTTACCAGTCGCCCTATGACTC-3'
Protein context (NP_000622.2, residues 110-130): NAYMKSLLSL[Pro120Leu]VWVLMDEDVR

ClinVar aggregate classification (germline): Uncertain significance. Review status: criteria provided, multiple submitters, no conflicts (2 of 4 stars). 3 submissions from 3 submitters: Uncertain significance (3). Last evaluated 2025-01-18.

Conditions:
Granulomatous disease, chronic, autosomal recessive, cytochrome b-positive, type 3. Also called: Granulomatous disease, chronic, autosomal recessive, cytochrome b-positive, type III; GRANULOMATOUS DISEASE, CHRONIC, DUE TO NCF4 DEFICIENCY; GRANULOMATOUS DISEASE, CHRONIC, AUTOSOMAL RECESSIVE, 3; CGD, AUTOSOMAL RECESSIVE CYTOCHROME b-POSITIVE, TYPE III. Identifiers: Orphanet 379, MedGen C3151409, MONDO:0013507, OMIM 613960.

Allele frequency attached by ClinVar (database versions not stated): TOPMed 0.00005; gnomAD 0.00016.
gnomAD v4.1: 176 of 1,613,866 alleles (0.011%); highest among the groups gnomAD compares: Non-Finnish European, 0.014%; no homozygotes.

Submissions (3):

Ambry Genetics
Classification: Uncertain significance. Last evaluated: 2025-01-18. Review status: criteria provided, single submitter. Criteria: Ambry Variant Classification Scheme 2023. Collection method: clinical testing. Allele origin: germline.

Blueprint Genetics
Classification: Uncertain significance. Last evaluated: 2024-09-11. Review status: criteria provided, single submitter. Criteria: ACMG Guidelines, 2015. Collection method: clinical testing. Allele origin: germline.

Labcorp Genetics (formerly Invitae), Labcorp
Classification: Uncertain significance for Granulomatous disease, chronic, autosomal recessive, cytochrome b-positive, type 3. Last evaluated: 2022-10-05. Review status: criteria provided, single submitter. Criteria: Invitae Variant Classification Sherloc (09022015). Collection method: clinical testing. Allele origin: germline.
Comment: This sequence change replaces proline, which is neutral and non-polar, with leucine, which is neutral and non-polar, at codon 120 of the NCF4 protein (p.Pro120Leu). This variant is present in population databases (rs760441596, gnomAD 0.01%). This variant has not been reported in the literature in individuals affected with NCF4-related conditions. ClinVar contains an entry for this variant (Variation ID: 539176). Algorithms developed to predict the effect of missense changes on protein structure and function are either unavailable or do not agree on the potential impact of this missense change (SIFT: "Deleterious"; PolyPhen-2: "Possibly Damaging"; Align-GVGD: "Class C0"). In summary, the available evidence is currently insufficient to determine the role of this variant in disease. Therefore, it has been classified as a Variant of Uncertain Significance.